The following is an entry in ClinVar:

NM_001134831.2(AHI1):c.37A>G (p.Lys13Glu)

Gene: AHI1 (Abelson helper integration site 1; minus strand). Cytogenetic location: 6q23.3.
Variant type: single nucleotide variant.
Coding change: c.37A>G on transcript NM_001134831.2 (MANE Select); coding-DNA position 37, A replaced by G.
Protein change: p.Lys13Glu; replaces lysine 13 with glutamic acid.
Molecular consequence: missense variant.
Genome position (GRCh38, 1-based): chr6:135,490,721, T>C on the plus strand (A>G on the coding strand, the complement: AHI1 is on the minus strand). VCF-style: chr6-135490721-T-C. GRCh37 (hg19) VCF-style: chr6-135811859-T-C.
Other names: c.37A>G (NM_017651.4); c.37A>G, p.Lys13Glu (NM_001134830.2, NM_001134832.2, NM_001350503.2 and 2 more transcripts); short protein forms K13E.
Identifiers: ClinVar variation 1426382 (VCV001426382.6), dbSNP rs763715513, ClinGen allele CA4012972.

ClinVar aggregate classification (germline): Uncertain significance. Review status: criteria provided, multiple submitters, no conflicts (2 of 4 stars). 3 submissions from 3 submitters: Uncertain significance (3). Last evaluated 2024-06-14.

Conditions:
Joubert syndrome. Also called: CEREBELLOPARENCHYMAL DISORDER IV; JOUBERT-BOLTSHAUSER SYNDROME; Familial aplasia of the vermis. Identifiers: Orphanet 475, MedGen C5979921, MONDO:0018772.
Joubert syndrome 3 (JBTS3). Also called: AHI1-related Ciliopathy. Identifiers: Orphanet 220493, MedGen C1837713, MONDO:0012078, OMIM 608629.

Allele frequency attached by ClinVar (database versions not stated): TOPMed below 0.00001; gnomAD exomes 0.00001 and 0.00006; ExAC 0.00004.

Submissions (3):

Fulgent Genetics
Classification: Uncertain significance for Joubert syndrome 3. Last evaluated: 2024-06-14. Review status: criteria provided, single submitter. Criteria: ACMG Guidelines, 2015. Collection method: clinical testing. Allele origin: germline.

GeneDx
Classification: Uncertain significance. Last evaluated: 2023-06-26. Review status: criteria provided, single submitter. Criteria: GeneDx Variant Classification Process June 2021. Collection method: clinical testing. Allele origin: germline. Affected: yes.
Comment: In silico analysis supports that this missense variant has a deleterious effect on protein structure/function; Has not been previously published as pathogenic or benign to our knowledge

Labcorp Genetics (formerly Invitae), Labcorp
Classification: Uncertain significance for Joubert syndrome. Last evaluated: 2022-11-22. Review status: criteria provided, single submitter. Criteria: Invitae Variant Classification Sherloc (09022015). Collection method: clinical testing. Allele origin: germline.
Comment: In summary, the available evidence is currently insufficient to determine the role of this variant in disease. Therefore, it has been classified as a Variant of Uncertain Significance. Algorithms developed to predict the effect of missense changes on protein structure and function output the following: SIFT: "Deleterious"; PolyPhen-2: "Benign"; Align-GVGD: "Class C0". The glutamic acid amino acid residue is found in multiple mammalian species, which suggests that this missense change does not adversely affect protein function. ClinVar contains an entry for this variant (Variation ID: 1426382). This variant has not been reported in the literature in individuals affected with AHI1-related conditions. This variant is present in population databases (rs763715513, gnomAD 0.04%). This sequence change replaces lysine, which is basic and polar, with glutamic acid, which is acidic and polar, at codon 13 of the AHI1 protein (p.Lys13Glu).